The following is an entry in ClinVar:

NM_000540.3(RYR1):c.10010G>T (p.Arg3337Leu)

Gene: RYR1 (ryanodine receptor 1; plus strand). Cytogenetic location: 19q13.2.
Variant type: single nucleotide variant.
Coding change: c.10010G>T on transcript NM_000540.3 (MANE Select); coding-DNA position 10010, G replaced by T.
Protein change: p.Arg3337Leu; replaces arginine 3337 with leucine.
Molecular consequence: missense variant.
Genome position (GRCh38, 1-based): chr19:38,517,683, G>T. VCF-style: chr19-38517683-G-T. GRCh37 (hg19) VCF-style: chr19-39008323-G-T.
Other names: c.10010G>T, p.Arg3337Leu (NM_001042723.2); short protein forms R3337L.
Identifiers: ClinVar variation 3065667 (VCV003065667.3), dbSNP rs868761398, ClinGen allele CA405693472.

ClinVar aggregate classification (germline): Uncertain significance. Review status: criteria provided, multiple submitters, no conflicts (2 of 4 stars). 3 submissions from 3 submitters: Uncertain significance (3). Last evaluated 2026-08-13.

Conditions:
Malignant hyperthermia, susceptibility to, 1 (MHS1). Also called: Anesthesia related hyperthermia; Malignant hyperpyrexia; Fulminating hyperpyrexia; Pharmacogenic myopathy; RYR1-Related Malignant Hyperthermia Susceptibility; Malignant hyperthermia suceptibility 1. Identifiers: Orphanet 423, MedGen C2930980, MONDO:0007783, OMIM 145600.
Central core myopathy (CMYO1A). Also called: CONGENITAL MYOPATHY 1A, AUTOSOMAL DOMINANT, WITH SUSCEPTIBILITY TO MALIGNANT HYPERTHERMIA; Central core disease; Myopathy, central fibrillar. Identifiers: Orphanet 597, MedGen C5830701, MONDO:0007294, OMIM 117000.
Inborn genetic diseases. Identifiers: MedGen C0950123, MeSH D030342.

gnomAD v4.1: 2 of 1,614,160 alleles (0.00012%); highest among the groups gnomAD compares: African/African-American, 0.0013%; no homozygotes.

Submissions (3):

Ambry Genetics
Classification: Uncertain significance for Inborn genetic diseases. Last evaluated: 2026-08-13. Review status: criteria provided, single submitter. Criteria: Ambry Variant Classification Scheme 2023. Collection method: clinical testing. Allele origin: germline.

All of Us Research Program, National Institutes of Health
Classification: Uncertain significance for Malignant hyperthermia, susceptibility to, 1. Last evaluated: 2024-08-06. Review status: criteria provided, single submitter. Criteria: ACMG Guidelines, 2015. Collection method: clinical testing. Allele origin: germline. Inheritance: Autosomal dominant inheritance. Observed: 1 variant allele, 1 heterozygote.
Comment: This study involves interpretation of variants in research participants for the purpose of population health screening. Participant phenotype was not available at the time of variant classification. Additional details can be found in publication PMID: 35346344, PMCID: PMC8962531

Genomic Medicine Center of Excellence, King Faisal Specialist Hospital and Research Centre
Classification: Uncertain significance for Central core myopathy. Last evaluated: 2024-03-29. Review status: criteria provided, single submitter. Criteria: ACMG Guidelines, 2015. Collection method: clinical testing. Allele origin: germline.